The following is an entry in ClinVar:

NM_024105.4(ALG12):c.1307C>T (p.Ala436Val)

Gene: ALG12 (ALG12 alpha-1,6-mannosyltransferase; minus strand). Cytogenetic location: 22q13.33.
Variant type: single nucleotide variant.
Coding change: c.1307C>T on transcript NM_024105.4 (MANE Select); coding-DNA position 1307, C replaced by T.
Protein change: p.Ala436Val; replaces alanine 436 with valine.
Molecular consequence: missense variant.
Genome position (GRCh38, 1-based): chr22:49,903,998, G>A on the plus strand (C>T on the coding strand, the complement: ALG12 is on the minus strand). VCF-style: chr22-49903998-G-A. GRCh37 (hg19) VCF-style: chr22-50297646-G-A.
Other names: short protein forms A436V.
Identifiers: ClinVar variation 2066579 (VCV002066579.3), dbSNP rs747421881, ClinGen allele CA10300248.

ClinVar aggregate classification (germline): Uncertain significance (1 of 4 stars; one submission).

Conditions:
ALG12-congenital disorder of glycosylation (CDG1G). Also called: Congenital disorder of glycosylation, type Ig; CDG Ig; ALG12-CDG. Identifiers: Orphanet 79324, MedGen C2931001, MONDO:0011783, OMIM 607143.

Allele frequency attached by ClinVar (database versions not stated): ExAC 0.00001; gnomAD 0.00001.
gnomAD v4.1: 4 of 1,614,038 alleles (0.00025%); highest among the groups gnomAD compares: East Asian, 0.0045%; no homozygotes.

Submission:

Labcorp Genetics (formerly Invitae), Labcorp
Classification: Uncertain significance for ALG12-congenital disorder of glycosylation. Last evaluated: 2024-10-25. Review status: criteria provided, single submitter. Criteria: Invitae Variant Classification Sherloc (09022015). Collection method: clinical testing. Allele origin: germline.
Comment: This sequence change replaces alanine, which is neutral and non-polar, with valine, which is neutral and non-polar, at codon 436 of the ALG12 protein (p.Ala436Val). This variant is present in population databases (rs747421881, gnomAD 0.005%). This variant has not been reported in the literature in individuals affected with ALG12-related conditions. ClinVar contains an entry for this variant (Variation ID: 2066579). An algorithm developed to predict the effect of missense changes on protein structure and function outputs the following: PolyPhen-2: "Benign". The valine amino acid residue is found in multiple mammalian species, which suggests that this missense change does not adversely affect protein function. In summary, the available evidence is currently insufficient to determine the role of this variant in disease. Therefore, it has been classified as a Variant of Uncertain Significance.